The following is an entry in ClinVar:

NM_005188.4(CBL):c.35G>A (p.Gly12Glu)

Genes: CBL (Cbl proto-oncogene; plus strand), LOC130006895 (ATAC-STARR-seq lymphoblastoid silent region 3975; plus strand). Cytogenetic location: 11q23.3.
Variant type: single nucleotide variant.
Coding change: c.35G>A on transcript NM_005188.4 (MANE Select); coding-DNA position 35, G replaced by A.
Protein change: p.Gly12Glu; replaces glycine 12 with glutamic acid.
Molecular consequence: missense variant.
Genome position (GRCh38, 1-based): chr11:119,206,452, G>A. VCF-style: chr11-119206452-G-A. GRCh37 (hg19) VCF-style: chr11-119077162-G-A.
Other names: short protein forms G12E.
Identifiers: ClinVar variation 4739600 (VCV004739600.1).

ClinVar aggregate classification (germline): Uncertain significance (1 of 4 stars; one submission).

Conditions:
RASopathy. Also called: rasopathies; Noonan spectrum disorder. Identifiers: Orphanet 536391, MedGen C5555857, MONDO:0021060.

Submission:

Labcorp Genetics (formerly Invitae), Labcorp
Classification: Uncertain significance for RASopathy. Last evaluated: 2025-04-10. Review status: criteria provided, single submitter. Criteria: Invitae Variant Classification Sherloc (09022015). Collection method: clinical testing. Allele origin: germline.
Comment: This sequence change replaces glycine, which is neutral and non-polar, with glutamic acid, which is acidic and polar, at codon 12 of the CBL protein (p.Gly12Glu). This variant is not present in population databases (gnomAD no frequency). This variant has not been reported in the literature in individuals affected with CBL-related conditions. Invitae Evidence Modeling of protein sequence and biophysical properties (such as structural, functional, and spatial information, amino acid conservation, physicochemical variation, residue mobility, and thermodynamic stability) indicates that this missense variant is not expected to disrupt CBL protein function with a negative predictive value of 95%. In summary, the available evidence is currently insufficient to determine the role of this variant in disease. Therefore, it has been classified as a Variant of Uncertain Significance.